The following is an entry in ClinVar:

ClinVar aggregate classification (germline): Uncertain significance. Review status: criteria provided, multiple submitters, no conflicts (2 of 4 stars). 3 submissions from 3 submitters: Uncertain significance (3). Last evaluated 2023-07-04.

Conditions:
Growth hormone insensitivity with immune dysregulation 1, autosomal recessive. Also called: GROWTH HORMONE INSENSITIVITY DUE TO POSTRECEPTOR DEFECT; LARON SYNDROME DUE TO POSTRECEPTOR DEFECT; Laron syndrome with immunodeficiency; GROWTH HORMONE INSENSITIVITY SYNDROME WITH IMMUNE DYSREGULATION 1, AUTOSOMAL RECESSIVE. Identifiers: Orphanet 220465, MedGen C5435698, MONDO:0100211, OMIM 245590.
Growth hormone insensitivity syndrome with immune dysregulation 2, autosomal dominant. Identifiers: MedGen C5436546, MONDO:0100219, OMIM 618985.

Allele frequency attached by ClinVar (database versions not stated): gnomAD exomes below 0.00001; gnomAD 0.00001; TOPMed 0.00002.

Submissions (3):

Institute of Human Genetics, University of Leipzig Medical Center
Classification: Uncertain significance for Growth hormone insensitivity syndrome with immune dysregulation 2, autosomal dominant. Last evaluated: 2023-07-04. Review status: criteria provided, single submitter. Criteria: ACMG Guidelines, 2015. Collection method: clinical testing. Allele origin: unknown. Inheritance: Autosomal dominant inheritance. Affected: yes.
Comment: Criteria applied: PM2_SUP,PP2

Labcorp Genetics (formerly Invitae), Labcorp
Classification: Uncertain significance for Laron syndrome with immunodeficiency. Last evaluated: 2019-06-11. Review status: criteria provided, single submitter. Criteria: Invitae Variant Classification Sherloc (09022015). Collection method: clinical testing. Allele origin: germline.
Comment: This sequence change replaces arginine with glutamine at codon 258 of the STAT5B protein (p.Arg258Gln). The arginine residue is moderately conserved and there is a small physicochemical difference between arginine and glutamine. While this variant is not present in population databases, the frequency information is unreliable, as metrics indicate poor data quality at this position in the ExAC database. This variant has not been reported in the literature in individuals with STAT5B-related disease. Algorithms developed to predict the effect of missense changes on protein structure and function do not agree on the potential impact of this missense change (SIFT: "Tolerated"; PolyPhen-2: "Possibly Damaging"; Align-GVGD: "Class C0"). In summary, the available evidence is currently insufficient to determine the role of this variant in disease. Therefore, it has been classified as a Variant of Uncertain Significance.

Breakthrough Genomics
Classification: Uncertain significance. Review status: criteria provided, single submitter. Criteria: ACMG Guidelines, 2015. Collection method: not provided. Allele origin: germline. Inheritance: Autosomal recessive inheritance. Affected: yes.

NM_012448.4(STAT5B):c.773G>A (p.Arg258Gln)

Gene: STAT5B (signal transducer and activator of transcription 5B; minus strand). Cytogenetic location: 17q21.2.
Variant type: single nucleotide variant.
Coding change: c.773G>A on transcript NM_012448.4 (MANE Select); coding-DNA position 773, G replaced by A.
Protein change: p.Arg258Gln; replaces arginine 258 with glutamine.
Molecular consequence: missense variant.
Genome position (GRCh38, 1-based): chr17:42,219,372, C>T on the plus strand (G>A on the coding strand, the complement: STAT5B is on the minus strand). VCF-style: chr17-42219372-C-T. GRCh37 (hg19) VCF-style: chr17-40371390-C-T.
Other names: short protein forms R258Q.
Identifiers: ClinVar variation 578442 (VCV000578442.5), dbSNP rs1314726288, ClinGen allele CA399587481.